The following is an entry in ClinVar:

NM_014704.4(CEP104):c.2111G>T (p.Gly704Val)

Gene: CEP104 (centrosomal protein 104; minus strand). Cytogenetic location: 1p36.32.
Variant type: single nucleotide variant.
Coding change: c.2111G>T on transcript NM_014704.4 (MANE Select); coding-DNA position 2111, G replaced by T.
Protein change: p.Gly704Val; replaces glycine 704 with valine.
Molecular consequence: missense variant.
Genome position (GRCh38, 1-based): chr1:3,829,306, C>A on the plus strand (G>T on the coding strand, the complement: CEP104 is on the minus strand). VCF-style: chr1-3829306-C-A. GRCh37 (hg19) VCF-style: chr1-3745870-C-A.
Other names: c.2111G>T (NM_014704.3); short protein forms G704V.
Identifiers: ClinVar variation 3583696 (VCV003583696.5).

ClinVar aggregate classification (germline): Conflicting classifications of pathogenicity. Review status: criteria provided, conflicting classifications (1 of 4 stars). 5 submissions from 5 submitters: Uncertain significance (4); Likely benign (1). Last evaluated 2025-09-14.

Conditions:
Intellectual developmental disorder, autosomal recessive 77 (MRT77). Identifiers: MedGen C5774193, MONDO:0031031, OMIM 619988.
Joubert syndrome 25 (JBTS25). Identifiers: Orphanet 475, MedGen C4084842, MONDO:0014770, OMIM 616781.
CEP104-related disorder. Also called: CEP104-related condition.
Inborn genetic diseases. Identifiers: MedGen C0950123, MeSH D030342.

gnomAD v4.1: 68 of 1,598,710 alleles (0.0043%); highest among the groups gnomAD compares: African/African-American, 0.081%; no homozygotes.

Submissions (5):

PreventionGenetics, part of Exact Sciences
Classification: Uncertain significance for CEP104-related condition. Last evaluated: 2025-09-14. Review status: criteria provided, single submitter. Criteria: ACMG Guidelines, 2015. Collection method: clinical testing. Allele origin: germline.
Comment: The CEP104 c.2111G>T variant is predicted to result in the amino acid substitution p.Gly704Val. To our knowledge, this variant has not been reported in the literature. This variant is reported in 0.085% of alleles in individuals of African descent in gnomAD. Although we suspect that this variant may be benign, at this time, the clinical significance of this variant is uncertain due to the absence of conclusive functional and genetic evidence.

Ambry Genetics
Classification: Uncertain significance for Inborn genetic diseases. Last evaluated: 2025-03-28. Review status: criteria provided, single submitter. Criteria: Ambry Variant Classification Scheme 2023. Collection method: clinical testing. Allele origin: germline.

Blueprint Genetics
Classification: Likely benign. Last evaluated: 2024-11-12. Review status: criteria provided, single submitter. Criteria: ACMG Guidelines, 2015. Collection method: clinical testing. Allele origin: germline.

Labcorp Genetics (formerly Invitae), Labcorp
Classification: Uncertain significance for Joubert syndrome 25. Last evaluated: 2024-10-25. Review status: criteria provided, single submitter. Criteria: Invitae Variant Classification Sherloc (09022015). Collection method: clinical testing. Allele origin: germline.
Comment: This sequence change replaces glycine, which is neutral and non-polar, with valine, which is neutral and non-polar, at codon 704 of the CEP104 protein (p.Gly704Val). This variant is present in population databases (rs139181137, gnomAD 0.08%). This variant has not been reported in the literature in individuals affected with CEP104-related conditions. An algorithm developed to predict the effect of missense changes on protein structure and function outputs the following: PolyPhen-2: "Benign". The valine amino acid residue is found in multiple mammalian species, which suggests that this missense change does not adversely affect protein function. In summary, the available evidence is currently insufficient to determine the role of this variant in disease. Therefore, it has been classified as a Variant of Uncertain Significance.

Fulgent Genetics
Classification: Uncertain significance for Joubert syndrome 25; Intellectual developmental disorder, autosomal recessive 77. Last evaluated: 2024-06-11. Review status: criteria provided, single submitter. Criteria: ACMG Guidelines, 2015. Collection method: clinical testing. Allele origin: germline.